The following is an entry in ClinVar:

NM_020247.5(COQ8A):c.1942T>G (p.Ter648Glu)

Gene: COQ8A (coenzyme Q8A; plus strand). Cytogenetic location: 1q42.13.
Variant type: single nucleotide variant.
Coding change: c.1942T>G on transcript NM_020247.5 (MANE Select); coding-DNA position 1942, T replaced by G.
Protein change: p.Ter648Glu.
Molecular consequence: stop lost.
Genome position (GRCh38, 1-based): chr1:226,986,735, T>G. VCF-style: chr1-226986735-T-G. GRCh37 (hg19) VCF-style: chr1-227174436-T-G.
Other names: *648E.
Identifiers: ClinVar variation 590826 (VCV000590826.3), dbSNP rs766591347, ClinGen allele CA1425714.

ClinVar aggregate classification (germline): Uncertain significance. Review status: criteria provided, single submitter (1 of 4 stars). 2 submissions from 2 submitters: Uncertain significance (1). 1 of the submissions does not count toward it.

Conditions:
Autosomal recessive ataxia due to ubiquinone deficiency. Also called: Coenzyme Q10 deficiency, primary, 4; SPINOCEREBELLAR ATAXIA, AUTOSOMAL RECESSIVE 9. Identifiers: Orphanet 139485, MedGen C2677589, MONDO:0012784, OMIM 612016.
Coenzyme Q10 deficiency, primary, 1. Also called: UBIQUINONE DEFICIENCY 1; COENZYME Q DEFICIENCY 1; CoQ DEFICIENCY 1. Identifiers: Orphanet 255249, MedGen C3551954, MONDO:0011829, OMIM 607426.

Allele frequency attached by ClinVar (database versions not stated): TOPMed below 0.00001; gnomAD 0.00001.
gnomAD v4.1: 7 of 1,612,438 alleles (0.00043%); highest among the groups gnomAD compares: East Asian, 0.016%; no homozygotes.

Submissions (2):

Juno Genomics, Hangzhou Juno Genomics, Inc
Classification: Uncertain significance for Autosomal recessive ataxia due to ubiquinone deficiency. Review status: criteria provided, single submitter. Criteria: ACMG Guidelines, 2015. Collection method: clinical testing. Allele origin: germline.
Comment: Absent from controls (or at extremely low frequency if recessive) in Genome Aggregation Database.;Protein length changes due to in-frame deletions/insertions in a non-repeat region or stop-loss variants.

SingHealth Duke-NUS Institute of Precision Medicine
Classification: Uncertain significance for Coenzyme Q10 deficiency, primary, 1. Last evaluated: 2017-06-07. Review status: no assertion criteria provided. Collection method: curation. Allele origin: germline. Affected: no. Not counted in ClinVar's aggregate classification.